The following is an entry in ClinVar:

NM_001273.5(CHD4):c.4801G>T (p.Ala1601Ser)

Genes: CHD4 (chromodomain helicase DNA binding protein 4; minus strand), CHD4-AS1 (CHD4 antisense RNA 1; plus strand). Cytogenetic location: 12p13.31.
Variant type: single nucleotide variant.
Coding change: c.4801G>T on transcript NM_001273.5 (MANE Select); coding-DNA position 4801, G replaced by T.
Protein change: p.Ala1601Ser; replaces alanine 1601 with serine.
Molecular consequence: missense variant.
Genome position (GRCh38, 1-based): chr12:6,581,152, C>A on the plus strand (G>T on the coding strand, the complement: CHD4 is on the minus strand). VCF-style: chr12-6581152-C-A. GRCh37 (hg19) VCF-style: chr12-6690318-C-A.
Other names: c.4801G>T (NM_001273.2); c.4780G>T, p.Ala1594Ser (NM_001297553.2); c.4762G>T, p.Ala1588Ser (NM_001363606.2); short protein forms A1588S, A1594S, A1601S.
Identifiers: ClinVar variation 2629324 (VCV002629324.4), dbSNP rs1350840992, ClinGen allele CA383570559.

ClinVar aggregate classification (germline): Conflicting classifications of pathogenicity. Review status: criteria provided, conflicting classifications (1 of 4 stars). 4 submissions from 4 submitters: Uncertain significance (2); Likely benign (2). Last evaluated 2025-09-11.

Conditions:
CHD4-related disorder. Also called: CHD4-related condition.
Inborn genetic diseases. Identifiers: MedGen C0950123, MeSH D030342.

Allele frequency attached by ClinVar (database versions not stated): gnomAD 0.00001; gnomAD exomes 0.00002; TOPMed 0.00003.
gnomAD v4.1: 31 of 1,613,886 alleles (0.0019%); highest among the groups gnomAD compares: Middle Eastern, 0.066%; no homozygotes.

Submissions (4):

Labcorp Genetics (formerly Invitae), Labcorp
Classification: Likely benign. Last evaluated: 2025-09-11. Review status: criteria provided, single submitter. Criteria: Invitae Variant Classification Sherloc (09022015). Collection method: clinical testing. Allele origin: germline.

Ambry Genetics
Classification: Uncertain significance for Inborn genetic diseases. Last evaluated: 2024-09-05. Review status: criteria provided, single submitter. Criteria: Ambry Variant Classification Scheme 2023. Collection method: clinical testing. Allele origin: germline.

Blueprint Genetics
Classification: Likely benign. Last evaluated: 2024-05-21. Review status: criteria provided, single submitter. Criteria: ACMG Guidelines, 2015. Collection method: clinical testing. Allele origin: germline.

PreventionGenetics, part of Exact Sciences
Classification: Uncertain significance for CHD4-related condition. Last evaluated: 2022-10-26. Review status: criteria provided, single submitter. Criteria: ACMG Guidelines, 2015. Collection method: clinical testing. Allele origin: germline.
Comment: The CHD4 c.4801G>T variant is predicted to result in the amino acid substitution p.Ala1601Ser. To our knowledge, this variant has not been reported in the literature. This variant is reported in 0.0029% of alleles in individuals of Latino descent in gnomAD. At this time, the clinical significance of this variant is uncertain due to the absence of conclusive functional and genetic evidence.